The following is an entry in ClinVar:

ClinVar aggregate classification (germline): Conflicting classifications of pathogenicity. Review status: criteria provided, conflicting classifications (1 of 4 stars). 2 submissions from 2 submitters: Uncertain significance (1); Likely benign (1). Last evaluated 2024-02-02.

Conditions:
Hereditary nonpolyposis colorectal neoplasms. Identifiers: MedGen C0009405, MeSH D003123.
Hereditary cancer-predisposing syndrome. Also called: Neoplastic Syndromes, Hereditary; Hereditary neoplastic syndrome; Tumor predisposition; Hereditary Cancer Syndrome. Identifiers: Orphanet 140162, MedGen C0027672, MeSH D009386, MONDO:0015356.

gnomAD v4.1: 2 of 1,594,658 alleles (0.00013%); highest among the groups gnomAD compares: Admixed American, 0.0017%; no homozygotes.

Submissions (2):

Labcorp Genetics (formerly Invitae), Labcorp
Classification: Likely benign for Hereditary nonpolyposis colorectal neoplasms. Last evaluated: 2024-02-02. Review status: criteria provided, single submitter. Criteria: Invitae Variant Classification Sherloc (09022015). Collection method: clinical testing. Allele origin: germline.

Ambry Genetics
Classification: Uncertain significance for Hereditary cancer-predisposing syndrome. Last evaluated: 2023-03-08. Review status: criteria provided, single submitter. Criteria: Ambry Variant Classification Scheme 2023. Collection method: clinical testing. Allele origin: germline.
Comment: The p.A49T variant (also known as c.145G>A), located in coding exon 1 of the MSH6 gene, results from a G to A substitution at nucleotide position 145. The alanine at codon 49 is replaced by threonine, an amino acid with similar properties. This amino acid position is well conserved in available vertebrate species. In addition, this alteration is predicted to be tolerated by in silico analysis. Since supporting evidence is limited at this time, the clinical significance of this alteration remains unclear.

NM_000179.3(MSH6):c.145G>A (p.Ala49Thr)

Gene: MSH6 (mutS homolog 6; plus strand). Cytogenetic location: 2p16.3.
Variant type: single nucleotide variant.
Coding change: c.145G>A on transcript NM_000179.3 (MANE Select); coding-DNA position 145, G replaced by A.
Protein change: p.Ala49Thr; replaces alanine 49 with threonine.
Molecular consequence: missense variant. On other transcripts: 5 prime UTR variant (7), synonymous variant (1), non-coding transcript variant (5), intron variant (5).
Genome position (GRCh38, 1-based): chr2:47,783,378, G>A. VCF-style: chr2-47783378-G-A. GRCh37 (hg19) VCF-style: chr2-48010517-G-A.
Other names: c.145G>A, p.Ala49Thr (NM_001281492.2, NM_001406795.1, NM_001406796.1 and 9 more transcripts); c.-592G>A (NM_001281493.2, NM_001406811.1); c.-184G>A (NM_001406799.1); c.90G>A, p.Arg30= (NM_001406804.1); c.-784G>A (NM_001406807.1); c.-439G>A (NM_001406812.1); c.-850G>A (NM_001406814.1); c.-395G>A (NM_001406816.1); and 3 more; short protein forms A49T.
Identifiers: ClinVar variation 2490483 (VCV002490483.4), dbSNP rs745642001, ClinGen allele CA067694.